The following is an entry in ClinVar:

NM_080860.4(RSPH1):c.573+9C>T

Gene: RSPH1 (radial spoke head component 1; minus strand). Cytogenetic location: 21q22.3.
Variant type: single nucleotide variant.
Coding change: c.573+9C>T on transcript NM_080860.4 (MANE Select); 9 bases into the intron after coding-DNA position 573, C replaced by T.
Molecular consequence: intron variant.
Genome position (GRCh38, 1-based): chr21:42,482,628, G>A on the plus strand (C>T on the coding strand, the complement: RSPH1 is on the minus strand). VCF-style: chr21-42482628-G-A. GRCh37 (hg19) VCF-style: chr21-43902738-G-A.
Other names: c.573+9C>T (NM_080860.3); c.459+9C>T (NM_001286506.2).
Identifiers: ClinVar variation 1166713 (VCV001166713.12), dbSNP rs376931534, ClinGen allele CA10043888.

ClinVar aggregate classification (germline): Benign/Likely benign. Review status: criteria provided, multiple submitters, no conflicts (2 of 4 stars). 3 submissions from 3 submitters: Benign (1); Likely benign (1). 1 of the submissions does not count toward it. Last evaluated 2025-11-27.

Conditions:
Primary ciliary dyskinesia. Also called: Ciliary dyskinesia. Identifiers: Orphanet 244, MedGen C0008780, MONDO:0016575, HP:0012265.
RSPH1-related disorder. Also called: RSPH1-related condition.

Allele frequency attached by ClinVar (database versions not stated): TOPMed 0.00012; gnomAD 0.00014 and 0.00019; ESP Exome Variant Server 0.00015; 1000 Genomes Project 0.00020; 1000 Genomes Project 30x 0.00031.

Submissions (3):

Labcorp Genetics (formerly Invitae), Labcorp
Classification: Benign for Primary ciliary dyskinesia. Last evaluated: 2025-11-27. Review status: criteria provided, single submitter. Criteria: Invitae Variant Classification Sherloc (09022015). Collection method: clinical testing. Allele origin: germline.

Blueprint Genetics
Classification: Likely benign. Last evaluated: 2024-03-05. Review status: criteria provided, single submitter. Criteria: ACMG Guidelines, 2015. Collection method: clinical testing. Allele origin: germline.

PreventionGenetics, part of Exact Sciences
Classification: Likely benign for RSPH1-related condition. Last evaluated: 2019-11-25. Review status: no assertion criteria provided. Collection method: clinical testing. Allele origin: germline. Not counted in ClinVar's aggregate classification.
Comment: This variant is classified as likely benign based on ACMG/AMP sequence variant interpretation guidelines (Richards et al. 2015 PMID: 25741868, with internal and published modifications).